The following is an entry in ClinVar:

ClinVar aggregate classification (germline): Uncertain significance (1 of 4 stars; one submission).

Allele frequency attached by ClinVar (database versions not stated): gnomAD exomes below 0.00001.
gnomAD v4.1: 1 of 1,614,116 alleles (0.000062%); highest among the groups gnomAD compares: Admixed American, 0.0017%; no homozygotes.

Submission:

Labcorp Genetics (formerly Invitae), Labcorp
Classification: Uncertain significance. Last evaluated: 2025-10-27. Review status: criteria provided, single submitter. Criteria: Invitae Variant Classification Sherloc (09022015). Collection method: clinical testing. Allele origin: germline.
Comment: This sequence change replaces histidine, which is basic and polar, with arginine, which is basic and polar, at codon 61 of the COX8A protein (p.His61Arg). This variant is not present in population databases (gnomAD no frequency). This variant has not been reported in the literature in individuals affected with COX8A-related conditions. ClinVar contains an entry for this variant (Variation ID: 1915630). An algorithm developed to predict the effect of missense changes on protein structure and function (PolyPhen-2) suggests that this variant is likely to be disruptive. In summary, the available evidence is currently insufficient to determine the role of this variant in disease. Therefore, it has been classified as a Variant of Uncertain Significance.

NM_004074.3(COX8A):c.182A>G (p.His61Arg)

Gene: COX8A (cytochrome c oxidase subunit 8A; plus strand). Cytogenetic location: 11q13.1.
Variant type: single nucleotide variant.
Coding change: c.182A>G on transcript NM_004074.3 (MANE Select); coding-DNA position 182, A replaced by G.
Protein change: p.His61Arg; replaces histidine 61 with arginine.
Molecular consequence: missense variant.
Genome position (GRCh38, 1-based): chr11:63,976,292, A>G. VCF-style: chr11-63976292-A-G. GRCh37 (hg19) VCF-style: chr11-63743764-A-G.
Other names: short protein forms H61R.
Identifiers: ClinVar variation 1915630 (VCV001915630.5), dbSNP rs2539430404, ClinGen allele CA381055787.